The following is an entry in ClinVar:

NM_000057.4(BLM):c.3107G>A (p.Cys1036Tyr)

Gene: BLM (BLM RecQ like helicase; plus strand). Cytogenetic location: 15q26.1.
Variant type: single nucleotide variant.
Coding change: c.3107G>A on transcript NM_000057.4 (MANE Select); coding-DNA position 3107, G replaced by A.
Protein change: p.Cys1036Tyr; replaces cysteine 1036 with tyrosine.
Molecular consequence: missense variant.
Genome position (GRCh38, 1-based): chr15:90,794,254, G>A. VCF-style: chr15-90794254-G-A. GRCh37 (hg19) VCF-style: chr15-91337484-G-A.
Other names: c.3107G>A, p.Cys1036Tyr (NM_001287246.2, NM_001287247.2); c.1982G>A, p.Cys661Tyr (NM_001287248.2); short protein forms C1036Y, C661Y.
Identifiers: ClinVar variation 1727700 (VCV001727700.2), dbSNP rs137853153, ClinGen allele CA393846850.

ClinVar aggregate classification (germline): Uncertain significance (1 of 4 stars; one submission).

Conditions:
Hereditary cancer-predisposing syndrome. Also called: Tumor predisposition; Neoplastic Syndromes, Hereditary; Hereditary Cancer Syndrome; Hereditary neoplastic syndrome. Identifiers: Orphanet 140162, MedGen C0027672, MeSH D009386, MONDO:0015356.

Allele frequency attached by ClinVar (database versions not stated): gnomAD exomes below 0.00001.
gnomAD v4.1: 1 of 1,606,348 alleles (0.000062%); highest among the groups gnomAD compares: Non-Finnish European, 0.000085%; no homozygotes.

Submission:

Ambry Genetics
Classification: Uncertain significance for Hereditary cancer-predisposing syndrome. Last evaluated: 2021-09-20. Review status: criteria provided, single submitter. Criteria: Ambry Variant Classification Scheme 2023. Collection method: clinical testing. Allele origin: germline.
Comment: The p.C1036Y variant (also known as c.3107G>A), located in coding exon 15 of the BLM gene, results from a G to A substitution at nucleotide position 3107. The cysteine at codon 1036 is replaced by tyrosine, an amino acid with highly dissimilar properties. This amino acid position is conserved. In addition, this alteration is predicted to be deleterious by in silico analysis. Since supporting evidence is limited at this time, the clinical significance of this alteration remains unclear.